The following is an entry in ClinVar:

NM_004333.6(BRAF):c.1914T>A (p.Asp638Glu)

Gene: BRAF (B-Raf proto-oncogene, serine/threonine kinase; minus strand). Cytogenetic location: 7q34.
Variant type: single nucleotide variant.
Coding change: c.1914T>A on transcript NM_004333.6 (MANE Select); coding-DNA position 1914, T replaced by A.
Protein change: p.Asp638Glu; replaces aspartic acid 638 with glutamic acid.
Molecular consequence: missense variant.
Genome position (GRCh38, 1-based): chr7:140,749,365, A>T on the plus strand (T>A on the coding strand, the complement: BRAF is on the minus strand). VCF-style: chr7-140749365-A-T. GRCh37 (hg19) VCF-style: chr7-140449165-A-T.
Other names: c.1914T>A, p.Asp638Glu (NM_001354609.2, NM_001378468.1, NM_001378474.1); c.2034T>A, p.Asp678Glu (NM_001374244.1, NM_001374258.1); c.1923T>A, p.Asp641Glu (NM_001378467.1); c.1848T>A, p.Asp616Glu (NM_001378469.1); c.1812T>A, p.Asp604Glu (NM_001378470.1); c.1803T>A, p.Asp601Glu (NM_001378471.1); c.1758T>A, p.Asp586Glu (NM_001378472.1, NM_001378473.1); c.1650T>A, p.Asp550Glu (NM_001378475.1); short protein forms D638E, D550E, D586E, D601E, D604E, D616E, D641E, D678E.
Identifiers: ClinVar variation 13981 (VCV000013981.22), dbSNP rs180177042, ClinGen allele CA279981.
Genomic context (GRCh38, chr7:140,749,365, plus strand): 5'-GTTTGAATAAGGTAACTGTCCAGTCATCAATTCATACAGAACAATTCCAAATGCATATAC[A>T]TCTGACTGAAAGCTGTATGGATTTTTATCTTGCATTCTGATGACTTCTGGTGCCTGTTAG-3'
Protein context (NP_004324.2, residues 628-648): QDKNPYSFQS[Asp638Glu]VYAFGIVLYE

ClinVar aggregate classification (germline): Pathogenic/Likely pathogenic. Review status: criteria provided, multiple submitters, no conflicts (2 of 4 stars). 13 submissions from 13 submitters: Pathogenic (10); Likely pathogenic (2). 1 of the submissions does not count toward it. Last evaluated 2026-06-11.

Conditions:
RASopathy. Also called: rasopathies; Noonan spectrum disorder. Identifiers: Orphanet 536391, MedGen C5555857, MONDO:0021060.
LEOPARD syndrome 3 (LPRD3). Identifiers: Orphanet 500, MedGen C3150971, MONDO:0013380, OMIM 613707.
Noonan syndrome 7 (NS7). Also called: BRAF-Related Noonan Syndrome. Identifiers: Orphanet 648, MedGen C3150970, MONDO:0013379, OMIM 613706.
Noonan syndrome 1 (NS1). Also called: FEMALE PSEUDO-TURNER SYNDROME; TURNER PHENOTYPE WITH NORMAL KARYOTYPE; PTPN11-Related Noonan Syndrome. Identifiers: Orphanet 648, MedGen C4551602, MONDO:0008104, OMIM 163950. Disease mechanism: gain of function.
Lung carcinoma. Identifiers: MedGen C0684249, MONDO:0005138.
Cardiofaciocutaneous syndrome 1 (CFC1). Also called: BRAF-Related Cardiofaciocutaneous Syndrome. Identifiers: Orphanet 1340, MedGen CN029449, MONDO:0007265, OMIM 115150. Disease mechanism: gain of function.
BRAF-related disorder. Also called: BRAF-related condition.
Inborn genetic diseases. Identifiers: MedGen C0950123, MeSH D030342.

Submissions (13):

Greenwood Genetic Center Diagnostic Laboratories, Greenwood Genetic Center
Classification: Pathogenic for BRAF-related disorder. Last evaluated: 2026-06-11. Review status: criteria provided, single submitter. Criteria: ACMG Guidelines, 2015. Collection method: clinical testing. Allele origin: germline. Affected: yes.
Comment: PS1, PS4_Moderate, PM2, PM6, PP2, PP3

Department of Human Genetics, Hannover Medical School
Classification: Pathogenic for Cardiofaciocutaneous syndrome 1. Last evaluated: 2025-04-07. Review status: criteria provided, single submitter. Criteria: ACMG Guidelines, 2015. Collection method: clinical testing. Allele origin: germline. Inheritance: Autosomal dominant inheritance. Affected: yes.
Comment: ClinGen VCEP: (PS1, PS4_Supporting, PM2_Supporting, PM6_Strong, PP2, PP3

3billion
Classification: Pathogenic for Cardiofaciocutaneous syndrome 1. Last evaluated: 2025-03-06. Review status: criteria provided, single submitter. Criteria: ACMG Guidelines, 2015. Collection method: clinical testing. Allele origin: germline. Affected: yes.
Comment: The variant is not observed in the gnomAD v4.1.0 dataset. Predicted Consequence/Location: Missense variant. Missense changes are a common disease-causing mechanism. In silico tool predictions suggest damaging effect of the variant on gene or gene product [REVEL: 0.95 (>=0.6, sensitivity 0.68 and specificity 0.92); 3Cnet: 0.99 (> 0.75, sensitivity 0.96 and precision 0.92)]. The same nucleotide change resulting in the same amino acid change has been previously reported as pathogenic/likely pathogenic with strong evidence (ClinVar ID: VCV000013981 / PMID: 16804887 / 3billion dataset). The variant has been previously reported as assumed (i.e. paternity and maternity not confirmed) de novo in at least one similarly affected unrelated individual (PMID: 19206169). Therefore, this variant is classified as Pathogenic according to the recommendation of ACMG/AMP guideline.

GeneDx
Classification: Pathogenic. Last evaluated: 2023-06-08. Review status: criteria provided, single submitter. Criteria: GeneDx Variant Classification Process June 2021. Collection method: clinical testing. Allele origin: germline. Affected: yes.
Comment: In silico analysis, which includes protein predictors and evolutionary conservation, supports a deleterious effect; Not observed in large population cohorts (gnomAD); The majority of missense variants in this gene are considered pathogenic (HGMD); This variant is associated with the following publications: (PMID: 23093928, 18039235, 32506834, 29493581, 36448195, 16804887, 19376813, 24803665, 18413255, 19206169, 22495831, 35524774, 34573299, 31217210, 33753861, 32005694)

Foundation for Research in Genetics and Endocrinology, FRIGE's Institute of Human Genetics
Classification: Likely pathogenic for Cardiofaciocutaneous syndrome 1. Last evaluated: 2023-05-16. Review status: criteria provided, single submitter. Criteria: ACMG Guidelines, 2015. Collection method: clinical testing. Allele origin: germline. Inheritance: Autosomal dominant inheritance. Affected: yes. Observed: 1 heterozygote.
Comment: A heterozygous missense variation in exon 16 of the BRAF gene that results in the amino acid substitution of glutamic acid for aspartic acid at codon 638 was detected. The observed variant c.1914T>A (p.Asp638Glu) variant has not been observed in the 1000 genomes and gnomAD databases. The in silico prediction of the variant is damaging by FATHMM, LRT, Mutation Assessor, Mutation Taster and SIFT. In summary, the variant meets our criteria to be classified as a likely pathogenic.

Labcorp Genetics (formerly Invitae), Labcorp
Classification: Pathogenic for RASopathy. Last evaluated: 2021-06-16. Review status: criteria provided, single submitter. Criteria: Invitae Variant Classification Sherloc (09022015). Collection method: clinical testing. Allele origin: germline.
Comment: This sequence change replaces aspartic acid with glutamic acid at codon 638 of the BRAF protein (p.Asp638Glu). The aspartic acid residue is highly conserved and there is a small physicochemical difference between aspartic acid and glutamic acid. This variant is not present in population databases (ExAC no frequency). This missense change has been observed in individual(s) with BRAF-related conditions (PMID: 16804887, 18039235, 22495831, 19206169). ClinVar contains an entry for this variant (Variation ID: 13981). Advanced modeling of protein sequence and biophysical properties (such as structural, functional, and spatial information, amino acid conservation, physicochemical variation, residue mobility, and thermodynamic stability) performed at Invitae indicates that this missense variant is expected to disrupt BRAF protein function. For these reasons, this variant has been classified as Pathogenic.

Fulgent Genetics
Classification: Likely pathogenic for Cardiofaciocutaneous syndrome 1; Noonan syndrome 1; Lung cancer; Noonan syndrome 7; LEOPARD syndrome 3. Last evaluated: 2018-10-31. Review status: criteria provided, single submitter. Criteria: ACMG Guidelines, 2015. Collection method: clinical testing. Allele origin: unknown.

Baylor Genetics
Classification: Pathogenic for Cardiofaciocutaneous syndrome 1. Last evaluated: 2018-01-24. Review status: criteria provided, single submitter. Criteria: ACMG Guidelines, 2015. Collection method: clinical testing. Allele origin: de novo. Affected: yes.
Comment: This variant was determined to be pathogenic according to ACMG Guidelines, 2015 [PMID:25741868]. This variant has been previously reported as disease causing in a patient with features overlapping cardiofaciocutaneous and Costello syndromes [PMID 16804887] In addition, a different variant at this nucleotide position (c.1914T>G) resulting in the same amino acid residue change has been previously reported as disease causing in patients with cardiofaciocutaneous syndrome [PMID 19206169]

Institute of Human Genetics Munich, TUM University Hospital
Classification: Pathogenic for Cardiofaciocutaneous syndrome 1. Last evaluated: 2017-09-08. Review status: criteria provided, single submitter. Criteria: Classification criteria August 2017. Collection method: clinical testing. Allele origin: de novo. Inheritance: Autosomal dominant inheritance. Affected: yes. Observed: 1 heterozygote.

Ambry Genetics
Classification: Pathogenic for Inborn genetic diseases. Last evaluated: 2017-09-01. Review status: criteria provided, single submitter. Criteria: Ambry exome assertion method (8-5-2015). Collection method: clinical testing. Allele origin: germline. Affected: yes. Observed: 1 variant allele.

Center for Human Genetics, Inc
Classification: Pathogenic for Cardiofaciocutaneous syndrome 1. Last evaluated: 2016-11-01. Review status: criteria provided, single submitter. Criteria: ACMG Guidelines, 2015. Collection method: clinical testing. Allele origin: germline. Affected: yes.

Equipe Genetique des Anomalies du Developpement, Université de Bourgogne
Classification: Pathogenic for Cardiofaciocutaneous syndrome 1. Last evaluated: 2016-01-01. Review status: criteria provided, single submitter. Criteria: ACMG Guidelines, 2015. Collection method: clinical testing. Allele origin: de novo. Affected: yes.

OMIM
Classification: Pathogenic for CARDIOFACIOCUTANEOUS SYNDROME 1. Last evaluated: 2006-08-01. Review status: no assertion criteria provided. Collection method: literature only. Allele origin: germline. Not counted in ClinVar's aggregate classification.

Literature cited by the submitters: PubMed 19206169 (cited by 4 submitters); PubMed 16804887 (cited by 4 submitters); PubMed 18039235 (cited by Labcorp Genetics (formerly Invitae), Labcorp); PubMed 22495831 (cited by Labcorp Genetics (formerly Invitae), Labcorp); PubMed 23875798 (cited by Ambry Genetics); PubMed 15035987 (cited by Ambry Genetics); PubMed 20859831 (cited by Ambry Genetics); PubMed 27391121 (cited by Ambry Genetics); PubMed 21063443 (cited by Ambry Genetics); PubMed 18413255 (cited by Ambry Genetics); PubMed 16372351 (cited by OMIM).